The following is an entry in ClinVar:

NM_004789.4(LHX2):c.460G>C (p.Asp154His)

Gene: LHX2 (LIM homeobox 2; plus strand). Cytogenetic location: 9q33.3.
Variant type: single nucleotide variant.
Coding change: c.460G>C on transcript NM_004789.4 (MANE Select); coding-DNA position 460, G replaced by C.
Protein change: p.Asp154His; replaces aspartic acid 154 with histidine.
Molecular consequence: missense variant.
Genome position (GRCh38, 1-based): chr9:124,015,258, G>C. VCF-style: chr9-124015258-G-C. GRCh37 (hg19) VCF-style: chr9-126777537-G-C.
Other names: short protein forms D154H.
Identifiers: ClinVar variation 3338580 (VCV003338580.1).

ClinVar aggregate classification (germline): Uncertain significance (1 of 4 stars; one submission).

Submission:

Greenwood Genetic Center Diagnostic Laboratories, Greenwood Genetic Center
Classification: Uncertain significance. Last evaluated: 2024-06-27. Review status: criteria provided, single submitter. Criteria: ACMG Guidelines, 2015. Collection method: clinical testing. Allele origin: germline. Affected: yes.
Comment: PM2, PP3